The following is an entry in ClinVar:

NM_001297595.2(SIN3B):c.2184G>A (p.Pro728=)

Gene: SIN3B (SIN3 transcription regulator family member B; plus strand). Cytogenetic location: 19p13.11.
Variant type: single nucleotide variant.
Coding change: c.2184G>A on transcript NM_001297595.2 (MANE Select); coding-DNA position 2184, G replaced by A.
Protein change: p.Pro728=; no amino-acid change (proline 728 retained).
Molecular consequence: synonymous variant.
Genome position (GRCh38, 1-based): chr19:16,869,837, G>A. VCF-style: chr19-16869837-G-A. GRCh37 (hg19) VCF-style: chr19-16980648-G-A.
Other names: c.954G>A, p.Pro318= (NM_001297597.2); c.2280G>A, p.Pro760= (NM_015260.4).
Identifiers: ClinVar variation 3044305 (VCV003044305.8), dbSNP rs145391747, ClinGen allele CA9283389.

ClinVar aggregate classification (germline): Likely benign. Review status: criteria provided, single submitter (1 of 4 stars). 2 submissions from 2 submitters: Likely benign (1). 1 of the submissions does not count toward it. Last evaluated 2025-11-01.

Conditions:
SIN3B-related disorder. Also called: SIN3B-related condition.

Allele frequency attached by ClinVar (database versions not stated): 1000 Genomes Project 0.00280; 1000 Genomes Project 30x 0.00359; gnomAD exomes 0.00023; ExAC 0.00074; TOPMed 0.00167; gnomAD 0.00174; ESP Exome Variant Server 0.00200.
gnomAD v4.1: 604 of 1,613,866 alleles (0.037%); highest among the groups gnomAD compares: African/African-American, 0.59%; 1 homozygote.

Submissions (2):

CeGaT Center for Human Genetics Tuebingen
Classification: Likely benign. Last evaluated: 2025-11-01. Review status: criteria provided, single submitter. Criteria: CeGaT Center For Human Genetics Tuebingen Variant Classification Criteria Version 2. Collection method: clinical testing. Allele origin: germline. Affected: yes. Observed: 1 variant allele.
Comment: SIN3B: BP4, BP7

PreventionGenetics, part of Exact Sciences
Classification: Likely benign for SIN3B-related condition. Last evaluated: 2019-06-06. Review status: no assertion criteria provided. Collection method: clinical testing. Allele origin: germline. Not counted in ClinVar's aggregate classification.
Comment: This variant is classified as likely benign based on ACMG/AMP sequence variant interpretation guidelines (Richards et al. 2015 PMID: 25741868, with internal and published modifications).